The following is an entry in ClinVar:

ClinVar aggregate classification (germline): Uncertain significance (1 of 4 stars; one submission).

Conditions:
Hereditary cancer-predisposing syndrome. Also called: Hereditary neoplastic syndrome; Neoplastic Syndromes, Hereditary; Tumor predisposition; Hereditary Cancer Syndrome. Identifiers: Orphanet 140162, MedGen C0027672, MeSH D009386, MONDO:0015356.

Submission:

Ambry Genetics
Classification: Uncertain significance for Hereditary cancer-predisposing syndrome. Last evaluated: 2025-08-01. Review status: criteria provided, single submitter. Criteria: Ambry Variant Classification Scheme 2023. Collection method: clinical testing. Allele origin: germline.
Comment: The c.205-1G>A intronic variant results from a G to A substitution one nucleotide upstream from coding exon 3 of the POLE gene. Alterations that disrupt the canonical splice site are expected to result in aberrant splicing. In silico splice site analysis predicts that this alteration will weaken the native splice acceptor site and will result in the creation or strengthening of a novel splice acceptor site. A resulting transcript is predicted to be in-frame and is not expected to trigger nonsense-mediated mRNAdecay; although, direct evidence is unavailable. This nucleotide position is highly conserved in available vertebrate species. Based on the available evidence, the clinical significance of this variant remains unclear.

NM_006231.4(POLE):c.205-1G>A

Gene: POLE (DNA polymerase epsilon, catalytic subunit; minus strand). Cytogenetic location: 12q24.33.
Variant type: single nucleotide variant.
Coding change: c.205-1G>A on transcript NM_006231.4 (MANE Select); the canonical splice acceptor site of the intron before coding-DNA position 205, G replaced by A.
Molecular consequence: splice acceptor variant.
Genome position (GRCh38, 1-based): chr12:132,680,688, C>T on the plus strand (G>A on the coding strand, the complement: POLE is on the minus strand). VCF-style: chr12-132680688-C-T. GRCh37 (hg19) VCF-style: chr12-133257274-C-T.
Identifiers: ClinVar variation 4141184 (VCV004141184.1).